The following is an entry in ClinVar:

ClinVar aggregate classification (germline): Likely benign. Review status: criteria provided, multiple submitters, no conflicts (2 of 4 stars). 3 submissions from 3 submitters: Likely benign (3). Last evaluated 2025-03-04.

Conditions:
Ataxia-telangiectasia syndrome (AT). Also called: LOUIS-BAR SYNDROME; Cerebello-oculocutaneous telangiectasia; Immunodeficiency with ataxia telangiectasia; AT, COMPLEMENTATION GROUP C; Ataxia-telangiectasia, complementation group D; ATAXIA-TELANGIECTASIA, COMPLEMENTATION GROUP A. Identifiers: Orphanet 100, MedGen C0004135, MONDO:0008840, OMIM 208900.
Familial cancer of breast. Also called: BREAST CANCER, FAMILIAL; hereditary breast carcinoma; Hereditary breast cancer. Identifiers: Orphanet 227535, MedGen C0346153, MONDO:0016419, OMIM 114480. Disease mechanism: loss of function.

Submissions (3):

Center for Genomic Medicine, Rigshospitalet, Copenhagen University Hospital
Classification: Likely benign. Last evaluated: 2025-03-04. Review status: criteria provided, single submitter. Criteria: ACMG Guidelines, 2015. Collection method: clinical testing. Allele origin: germline.
Comment: Classification criteria: BP4

Labcorp Genetics (formerly Invitae), Labcorp
Classification: Likely benign for Ataxia-telangiectasia syndrome. Last evaluated: 2025-01-09. Review status: criteria provided, single submitter. Criteria: Invitae Variant Classification Sherloc (09022015). Collection method: clinical testing. Allele origin: germline.

Myriad Genetics, Inc.
Classification: Likely benign for Familial cancer of breast. Last evaluated: 2024-04-23. Review status: criteria provided, single submitter. Criteria: Myriad Autosomal Dominant, Autosomal Recessive and X-Linked Classification Criteria (2023). Collection method: clinical testing. Allele origin: unknown.
Comment: This variant is considered likely benign. This variant is intronic and is not expected to impact mRNA splicing.

NM_000051.4(ATM):c.901+7del

Gene: ATM (ATM serine/threonine kinase; plus strand). Cytogenetic location: 11q22.3.
Variant type: Deletion.
Coding change: c.901+7del on transcript NM_000051.4 (MANE Select); 7 bases into the intron after coding-DNA position 901, one base deleted (A; older notation c.901+7delA).
Molecular consequence: intron variant.
Genome position (GRCh38, 1-based): chr11:108,245,033, A deleted; the last of 3 consecutive A bases (chr11:108,245,031-108,245,033); deleting any one gives the same sequence. VCF-style (leftmost placement, unchanged base first): chr11-108245030-TA-T. GRCh37 (hg19) VCF-style: chr11-108115757-TA-T.
Other names: c.901+7del (NM_001351834.2); c.901+7delA (NM_000051.4).
Identifiers: ClinVar variation 3254205 (VCV003254205.4), dbSNP rs2497156160.